The following is an entry in ClinVar:

ClinVar aggregate classification (germline): Uncertain significance. Review status: criteria provided, multiple submitters, no conflicts (2 of 4 stars). 2 submissions from 2 submitters: Uncertain significance (2). Last evaluated 2023-12-17.

Conditions:
Inborn genetic diseases. Identifiers: MedGen C0950123, MeSH D030342.

Allele frequency attached by ClinVar (database versions not stated): TOPMed below 0.00001; gnomAD exomes below 0.00001.
gnomAD v4.1: 3 of 1,612,880 alleles (0.00019%); highest among the groups gnomAD compares: Non-Finnish European, 0.00025%; no homozygotes.

Submissions (2):

Ambry Genetics
Classification: Uncertain significance for Inborn genetic diseases. Last evaluated: 2023-12-17. Review status: criteria provided, single submitter. Criteria: Ambry Variant Classification Scheme 2023. Collection method: clinical testing. Allele origin: germline.

Labcorp Genetics (formerly Invitae), Labcorp
Classification: Uncertain significance. Last evaluated: 2021-08-26. Review status: criteria provided, single submitter. Criteria: Invitae Variant Classification Sherloc (09022015). Collection method: clinical testing. Allele origin: germline.
Comment: This sequence change replaces serine with proline at codon 1047 of the NBAS protein (p.Ser1047Pro). The serine residue is highly conserved and there is a moderate physicochemical difference between serine and proline. This variant is not present in population databases (ExAC no frequency). This variant has not been reported in the literature in individuals affected with NBAS-related conditions. Algorithms developed to predict the effect of missense changes on protein structure and function (SIFT, PolyPhen-2, Align-GVGD) all suggest that this variant is likely to be disruptive. In summary, the available evidence is currently insufficient to determine the role of this variant in disease. Therefore, it has been classified as a Variant of Uncertain Significance.

NM_015909.4(NBAS):c.3139T>C (p.Ser1047Pro)

Gene: NBAS (NBAS subunit of NRZ tethering complex; minus strand). Cytogenetic location: 2p24.3.
Variant type: single nucleotide variant.
Coding change: c.3139T>C on transcript NM_015909.4 (MANE Select); coding-DNA position 3139, T replaced by C.
Protein change: p.Ser1047Pro; replaces serine 1047 with proline.
Molecular consequence: missense variant. On other transcripts: non-coding transcript variant (1).
Genome position (GRCh38, 1-based): chr2:15,394,345, A>G on the plus strand (T>C on the coding strand, the complement: NBAS is on the minus strand). VCF-style: chr2-15394345-A-G. GRCh37 (hg19) VCF-style: chr2-15534469-A-G.
Other names: c.3139T>C (NM_015909.2); short protein forms S1047P.
Identifiers: ClinVar variation 1485521 (VCV001485521.6), dbSNP rs1558300003, ClinGen allele CA345880860.
Genomic context (GRCh38, chr2:15,394,345, plus strand): 5'-ATTGAGTGTTTTTAACAAATGAAATTGGTTTCTCGAGTCCATGTTTTTCCAAAAGCTCTG[A>G]CACACTATAAGTGAAAAAAGAATTATTTAATGTCTTGCTACCAAACAAAAAGAGTCTAAG-3'
Protein context (NP_056993.2, residues 1037-1057): VDQLEQILSV[Ser1047Pro]ELLEKHGLEK